The following is an entry in ClinVar:

ClinVar aggregate classification (germline): Pathogenic. Review status: criteria provided, multiple submitters, no conflicts (2 of 4 stars). 2 submissions from 2 submitters: Pathogenic (2). Last evaluated 2020-05-09.

Conditions:
Schizophrenia (SCZD). Identifiers: MedGen C0036341, MeSH D012559, MONDO:0005090, OMIM 181500, HP:0100753.

Submissions (2):

Labcorp Genetics (formerly Invitae), Labcorp
Classification: Pathogenic. Last evaluated: 2020-05-09. Review status: criteria provided, single submitter. Criteria: Invitae Variant Classification Sherloc (09022015). Collection method: clinical testing. Allele origin: germline.
Comment: Loss-of-function variants in SETD1A are known to be pathogenic (PMID: 32346159). Algorithms developed to predict the effect of sequence changes on RNA splicing suggest that this variant may create or strengthen a splice site, but this prediction has not been confirmed by published transcriptional studies. This variant has been observed in individual(s) with SETD1A-related disease (PMID: 26974950, Invitae). In at least one individual the variant was observed to be de novo. This variant is also known as 16:30977140_C/G in the literature. ClinVar contains an entry for this variant (Variation ID: 224654). This variant is not present in population databases (ExAC no frequency). This sequence change creates a premature translational stop signal (p.Tyr646*) in the SETD1A gene. It is expected to result in an absent or disrupted protein product. For these reasons, this variant has been classified as Pathogenic.

SNPedia
Classification: Pathogenic for Schizophrenia. Last evaluated: 2016-03-14. Review status: criteria provided, single submitter. Criteria: Singh et al. 2014. Collection method: literature only. Allele origin: maternal. Affected: yes. Observed: 1 variant allele.

Literature cited by the submitters: PubMed 32346159 (cited by Labcorp Genetics (formerly Invitae), Labcorp); PubMed 26974950 (cited by Labcorp Genetics (formerly Invitae), Labcorp).

NM_014712.3(SETD1A):c.1938C>G (p.Tyr646Ter)

Gene: SETD1A (SET domain containing 1A, histone lysine methyltransferase; plus strand). Cytogenetic location: 16p11.2.
Variant type: single nucleotide variant.
Coding change: c.1938C>G on transcript NM_014712.3 (MANE Select); coding-DNA position 1938, C replaced by G.
Protein change: p.Tyr646Ter; replaces tyrosine 646 with a stop codon.
Molecular consequence: nonsense.
Genome position (GRCh38, 1-based): chr16:30,965,819, C>G. VCF-style: chr16-30965819-C-G. GRCh37 (hg19) VCF-style: chr16-30977140-C-G.
Other names: short protein forms Y646*.
Identifiers: ClinVar variation 224654 (VCV000224654.10), dbSNP rs770913157, ClinGen allele CA354205.